The following is an entry in ClinVar:

NM_030761.5(WNT4):c.698C>A (p.Ala233Glu)

Gene: WNT4 (Wnt family member 4; minus strand). Cytogenetic location: 1p36.12.
Variant type: single nucleotide variant.
Coding change: c.698C>A on transcript NM_030761.5 (MANE Select); coding-DNA position 698, C replaced by A.
Protein change: p.Ala233Glu; replaces alanine 233 with glutamic acid.
Molecular consequence: missense variant.
Genome position (GRCh38, 1-based): chr1:22,120,408, G>T on the plus strand (C>A on the coding strand, the complement: WNT4 is on the minus strand). VCF-style: chr1-22120408-G-T. GRCh37 (hg19) VCF-style: chr1-22446901-G-T.
Other names: short protein forms A233E.
Identifiers: ClinVar variation 4806973 (VCV004806973.1).

ClinVar aggregate classification (germline): Uncertain significance (1 of 4 stars; one submission).

gnomAD v4.1: 1 of 1,614,018 alleles (0.000062%); highest among the groups gnomAD compares: South Asian, 0.0011%; no homozygotes.

Submission:

Labcorp Genetics (formerly Invitae), Labcorp
Classification: Uncertain significance. Last evaluated: 2025-06-07. Review status: criteria provided, single submitter. Criteria: Invitae Variant Classification Sherloc (09022015). Collection method: clinical testing. Allele origin: germline.
Comment: This sequence change replaces alanine, which is neutral and non-polar, with glutamic acid, which is acidic and polar, at codon 233 of the WNT4 protein (p.Ala233Glu). This variant is not present in population databases (gnomAD no frequency). This variant has not been reported in the literature in individuals affected with WNT4-related conditions. Invitae Evidence Modeling of protein sequence and biophysical properties (such as structural, functional, and spatial information, amino acid conservation, physicochemical variation, residue mobility, and thermodynamic stability) indicates that this missense variant is not expected to disrupt WNT4 protein function with a negative predictive value of 80%. In summary, the available evidence is currently insufficient to determine the role of this variant in disease. Therefore, it has been classified as a Variant of Uncertain Significance.